The following is an entry in ClinVar:

NM_006648.4(WNK2):c.6187C>T (p.Leu2063Phe)

Gene: WNK2 (WNK lysine deficient protein kinase 2; plus strand). Cytogenetic location: 9q22.31.
Variant type: single nucleotide variant.
Coding change: c.6187C>T on transcript NM_006648.4 (MANE Select); coding-DNA position 6187, C replaced by T.
Protein change: p.Leu2063Phe; replaces leucine 2063 with phenylalanine.
Molecular consequence: missense variant.
Genome position (GRCh38, 1-based): chr9:93,300,122, C>T. VCF-style: chr9-93300122-C-T. GRCh37 (hg19) VCF-style: chr9-96062404-C-T.
Other names: c.6298C>T, p.Leu2100Phe (NM_001282394.3); short protein forms L2063F, L2100F.
Identifiers: ClinVar variation 4866579 (VCV004866579.1).

ClinVar aggregate classification (germline): Uncertain significance (1 of 4 stars; one submission).

Submission:

Ambry Genetics
Classification: Uncertain significance. Last evaluated: 2026-04-10. Review status: criteria provided, single submitter. Criteria: Ambry Variant Classification Scheme 2023. Collection method: clinical testing. Allele origin: germline.
Comment: The p.L2063F variant (also known as c.6187C>T), located in coding exon 25 of the WNK2 gene, results from a C to T substitution at nucleotide position 6187. The leucine at codon 2063 is replaced by phenylalanine, an amino acid with highly similar properties. This amino acid position is conserved. In addition, the in silico prediction for this alteration is inconclusive. Based on the available evidence, the clinical significance of this variant remains unclear.